The following is an entry in ClinVar:

NM_005419.4(STAT2):c.633+2T>C

Gene: STAT2 (signal transducer and activator of transcription 2; minus strand). Cytogenetic location: 12q13.3.
Variant type: single nucleotide variant.
Coding change: c.633+2T>C on transcript NM_005419.4 (MANE Select); the canonical splice donor site of the intron after coding-DNA position 633, T replaced by C.
Molecular consequence: splice donor variant.
Genome position (GRCh38, 1-based): chr12:56,354,776, A>G on the plus strand (T>C on the coding strand, the complement: STAT2 is on the minus strand). VCF-style: chr12-56354776-A-G. GRCh37 (hg19) VCF-style: chr12-56748560-A-G.
Other names: NC_000012.11:g.56748560A>G; c.621+2T>C (NM_001385110.1, NM_001385115.1, NM_198332.2); c.633+2T>C (NM_001385114.1, NM_001385111.1, NM_001385113.1).
Identifiers: ClinVar variation 4386842 (VCV004386842.2).

ClinVar aggregate classification (germline): Pathogenic (1 of 4 stars; one submission).

Conditions:
Primary immunodeficiency with post-measles-mumps-rubella vaccine viral infection. Also called: Immunodeficiency 44. Identifiers: Orphanet 431166, MedGen C4225260, MONDO:0014715, OMIM 616636.

Submissions (2):

Labcorp Genetics (formerly Invitae), Labcorp
Classification: Pathogenic for Primary immunodeficiency with post-measles-mumps-rubella vaccine viral infection. Last evaluated: 2025-10-15. Review status: criteria provided, single submitter. Criteria: Invitae Variant Classification Sherloc (09022015). Collection method: clinical testing. Allele origin: germline.
Comment: This sequence change affects a donor splice site in intron 7 of the STAT2 gene. It is expected to disrupt RNA splicing. Variants that disrupt the donor or acceptor splice site typically lead to a loss of protein function (PMID: 16199547), and loss-of-function variants in STAT2 are known to be pathogenic (PMID: 23391734, 26122121). This variant is not present in population databases (gnomAD no frequency). Disruption of this splice site has been observed in individual(s) with clinical features of STAT2-related conditions (PMID: 37074537). Studies have shown that disruption of this splice site alters STAT2 gene expression (PMID: 37074537). Algorithms developed to predict the effect of sequence changes on RNA splicing suggest that this variant may disrupt the consensus splice site. For these reasons, this variant has been classified as Pathogenic.

Dr. Peter K. Rogan Lab, Western University
No classification provided (evidence only). Condition: Thyroid cancer, nonmedullary, 1. Review status: no classification provided. Collection method: in vitro. Allele origin: not applicable. Functional consequence: retained intron. Not counted in ClinVar's aggregate classification.

Literature cited by the submitters: PubMed 16199547 (cited by Labcorp Genetics (formerly Invitae), Labcorp); PubMed 23391734 (cited by Labcorp Genetics (formerly Invitae), Labcorp); PubMed 26122121 (cited by Labcorp Genetics (formerly Invitae), Labcorp); PubMed 37074537 (cited by Labcorp Genetics (formerly Invitae), Labcorp).